The following is an entry in ClinVar:

NM_006343.3(MERTK):c.1978A>C (p.Ser660Arg)

Gene: MERTK (MER proto-oncogene, tyrosine kinase; plus strand). Cytogenetic location: 2q13.
Variant type: single nucleotide variant.
Coding change: c.1978A>C on transcript NM_006343.3 (MANE Select); coding-DNA position 1978, A replaced by C.
Protein change: p.Ser660Arg; replaces serine 660 with arginine.
Molecular consequence: missense variant.
Genome position (GRCh38, 1-based): chr2:112,009,965, A>C. VCF-style: chr2-112009965-A-C. GRCh37 (hg19) VCF-style: chr2-112767542-A-C.
Other names: short protein forms S660R.
Identifiers: ClinVar variation 4746427 (VCV004746427.1).

ClinVar aggregate classification (germline): Uncertain significance (1 of 4 stars; one submission).

gnomAD v4.1: 1 of 1,612,510 alleles (0.000062%); highest among the groups gnomAD compares: South Asian, 0.0011%; no homozygotes.

Submission:

Labcorp Genetics (formerly Invitae), Labcorp
Classification: Uncertain significance. Last evaluated: 2025-11-04. Review status: criteria provided, single submitter. Criteria: Invitae Variant Classification Sherloc (09022015). Collection method: clinical testing. Allele origin: germline.
Comment: This sequence change replaces serine, which is neutral and polar, with arginine, which is basic and polar, at codon 660 of the MERTK protein (p.Ser660Arg). This variant is not present in population databases (gnomAD no frequency). This variant has not been reported in the literature in individuals affected with MERTK-related conditions. Invitae Evidence Modeling of protein sequence and biophysical properties (such as structural, functional, and spatial information, amino acid conservation, physicochemical variation, residue mobility, and thermodynamic stability) indicates that this missense variant is not expected to disrupt MERTK protein function with a negative predictive value of 80%. In summary, the available evidence is currently insufficient to determine the role of this variant in disease. Therefore, it has been classified as a Variant of Uncertain Significance.